The following is an entry in ClinVar:

ClinVar aggregate classification (germline): Uncertain significance. Review status: criteria provided, multiple submitters, no conflicts (2 of 4 stars). 3 submissions from 3 submitters: Uncertain significance (3). Last evaluated 2024-04-15.

Conditions:
Primary ciliary dyskinesia. Also called: Ciliary dyskinesia. Identifiers: Orphanet 244, MedGen C0008780, MONDO:0016575, HP:0012265.
Primary ciliary dyskinesia 9. Also called: CILIARY DYSKINESIA, PRIMARY, 9, WITH OR WITHOUT SITUS INVERSUS. Identifiers: Orphanet 244, MedGen C2676235, MONDO:0012906, OMIM 612444.

Allele frequency attached by ClinVar (database versions not stated): gnomAD exomes 0.00001; TOPMed 0.00003; ExAC 0.00004; gnomAD 0.00006; 1000 Genomes Project 30x 0.00016; 1000 Genomes Project 0.00020.

Submissions (3):

Fulgent Genetics
Classification: Uncertain significance for Primary ciliary dyskinesia 9. Last evaluated: 2024-04-15. Review status: criteria provided, single submitter. Criteria: ACMG Guidelines, 2015. Collection method: clinical testing. Allele origin: germline.

Ambry Genetics
Classification: Uncertain significance for Primary ciliary dyskinesia. Last evaluated: 2023-09-13. Review status: criteria provided, single submitter. Criteria: Ambry Variant Classification Scheme 2023. Collection method: clinical testing. Allele origin: germline.

Labcorp Genetics (formerly Invitae), Labcorp
Classification: Uncertain significance for Primary ciliary dyskinesia. Last evaluated: 2022-10-04. Review status: criteria provided, single submitter. Criteria: Invitae Variant Classification Sherloc (09022015). Collection method: clinical testing. Allele origin: germline.
Comment: This sequence change replaces leucine, which is neutral and non-polar, with phenylalanine, which is neutral and non-polar, at codon 113 of the DNAI2 protein (p.Leu113Phe). This variant is present in population databases (rs545425948, gnomAD 0.07%). This variant has not been reported in the literature in individuals affected with DNAI2-related conditions. Advanced modeling of protein sequence and biophysical properties (such as structural, functional, and spatial information, amino acid conservation, physicochemical variation, residue mobility, and thermodynamic stability) performed at Invitae indicates that this missense variant is expected to disrupt DNAI2 protein function. In summary, the available evidence is currently insufficient to determine the role of this variant in disease. Therefore, it has been classified as a Variant of Uncertain Significance.

NM_023036.6(DNAI2):c.337C>T (p.Leu113Phe)

Gene: DNAI2 (dynein axonemal intermediate chain 2; plus strand). Cytogenetic location: 17q25.1.
Variant type: single nucleotide variant.
Coding change: c.337C>T on transcript NM_023036.6 (MANE Select); coding-DNA position 337, C replaced by T.
Protein change: p.Leu113Phe; replaces leucine 113 with phenylalanine.
Molecular consequence: missense variant. On other transcripts: non-coding transcript variant (1).
Genome position (GRCh38, 1-based): chr17:74,285,193, C>T. VCF-style: chr17-74285193-C-T. GRCh37 (hg19) VCF-style: chr17-72281332-C-T.
Other names: c.337C>T, p.Leu113Phe (NM_001172810.3, NM_001353167.2); short protein forms L113F.
Identifiers: ClinVar variation 1730804 (VCV001730804.5), dbSNP rs545425948, ClinGen allele CA8745319.